The following is an entry in ClinVar:

NM_015909.4(NBAS):c.5919C>G (p.Ile1973Met)

Gene: NBAS (NBAS subunit of NRZ tethering complex; minus strand). Cytogenetic location: 2p24.3.
Variant type: single nucleotide variant.
Coding change: c.5919C>G on transcript NM_015909.4 (MANE Select); coding-DNA position 5919, C replaced by G.
Protein change: p.Ile1973Met; replaces isoleucine 1973 with methionine.
Molecular consequence: missense variant. On other transcripts: non-coding transcript variant (1).
Genome position (GRCh38, 1-based): chr2:15,238,492, G>C on the plus strand (C>G on the coding strand, the complement: NBAS is on the minus strand). VCF-style: chr2-15238492-G-C. GRCh37 (hg19) VCF-style: chr2-15378616-G-C.
Other names: short protein forms I1973M.
Identifiers: ClinVar variation 2116987 (VCV002116987.1), dbSNP rs1372073221, ClinGen allele CA345890734.

ClinVar aggregate classification (germline): Uncertain significance (1 of 4 stars; one submission).

Allele frequency attached by ClinVar (database versions not stated): gnomAD exomes below 0.00001; TOPMed below 0.00001; gnomAD 0.00001.
gnomAD v4.1: 2 of 1,614,020 alleles (0.00012%); highest among the groups gnomAD compares: African/African-American, 0.0027%; no homozygotes.

Submission:

Labcorp Genetics (formerly Invitae), Labcorp
Classification: Uncertain significance. Last evaluated: 2022-08-01. Review status: criteria provided, single submitter. Criteria: Invitae Variant Classification Sherloc (09022015). Collection method: clinical testing. Allele origin: germline.
Comment: This sequence change replaces isoleucine, which is neutral and non-polar, with methionine, which is neutral and non-polar, at codon 1973 of the NBAS protein (p.Ile1973Met). This variant is not present in population databases (gnomAD no frequency). This variant has not been reported in the literature in individuals affected with NBAS-related conditions. Algorithms developed to predict the effect of missense changes on protein structure and function are either unavailable or do not agree on the potential impact of this missense change (SIFT: "Deleterious"; PolyPhen-2: "Benign"; Align-GVGD: "Class C0"). In summary, the available evidence is currently insufficient to determine the role of this variant in disease. Therefore, it has been classified as a Variant of Uncertain Significance.